The following is an entry in ClinVar:

ClinVar aggregate classification (germline): Pathogenic (1 of 4 stars; one submission).

Conditions:
Gaucher disease type I (GD1). Also called: GD 1; ACID BETA-GLUCOSIDASE DEFICIENCY; GAUCHER DISEASE, NONCEREBRAL JUVENILE; GBA DEFICIENCY; GD I; GLUCOCEREBROSIDASE DEFICIENCY. Identifiers: Orphanet 355, Orphanet 77259, MedGen C1961835, MONDO:0009265, OMIM 230800.

Submission:

Variantyx, Inc.
Classification: Pathogenic for Gaucher disease type I. Last evaluated: 2026-01-22. Review status: criteria provided, single submitter. Criteria: Variantyx Assertion Criteria 2022. Collection method: clinical testing. Allele origin: germline. Inheritance: Autosomal recessive inheritance. Affected: yes.
Comment: This is a canonical splicing variant in the GBA1 gene (OMIM: 606463). Pathogenic variants in this gene have been associated with autosomal recessive Gaucher disease type I. This splicing variant is expected to result in loss of function, which is a known disease mechanism for GBA1 in this disorder (PMID: 11933202, 17689991, 21704274) (PVS1). This variant has not been reported in individuals with GBA1-related disorders in the databases available for review.

Literature cited by the submitters: PubMed 11933202; PubMed 17689991; PubMed 21704274.

NM_000157.4(GBA1):c.1505+2T>G

Genes: GBA1 (glucosylceramidase beta 1; minus strand), LOC106627981 (GBA recombination region; plus strand). Cytogenetic location: 1q22.
Variant type: single nucleotide variant.
Coding change: c.1505+2T>G on transcript NM_000157.4 (MANE Select); the canonical splice donor site of the intron after coding-DNA position 1505, T replaced by G.
Molecular consequence: splice donor variant.
Genome position (GRCh38, 1-based): chr1:155,235,193, A>C on the plus strand (T>G on the coding strand, the complement: GBA1 is on the minus strand). VCF-style: chr1-155235193-A-C. GRCh37 (hg19) VCF-style: chr1-155204984-A-C.
Other names: c.1244+2T>G (NM_001171811.2); c.1505+2T>G (NM_001005742.3, NM_001005741.3); c.1358+2T>G (NM_001171812.2).
Identifiers: ClinVar variation 4813820 (VCV004813820.1).